The following is an entry in ClinVar:

NM_000288.4(PEX7):c.122G>A (p.Gly41Asp)

Gene: PEX7 (peroxisomal biogenesis factor 7; plus strand). Cytogenetic location: 6q23.3.
Variant type: single nucleotide variant.
Coding change: c.122G>A on transcript NM_000288.4 (MANE Select); coding-DNA position 122, G replaced by A.
Protein change: p.Gly41Asp; replaces glycine 41 with aspartic acid.
Molecular consequence: missense variant.
Genome position (GRCh38, 1-based): chr6:136,822,787, G>A. VCF-style: chr6-136822787-G-A. GRCh37 (hg19) VCF-style: chr6-137143925-G-A.
Other names: short protein forms G41D.
Identifiers: ClinVar variation 1495627 (VCV001495627.5), dbSNP rs61753239, ClinGen allele CA148640689.

ClinVar aggregate classification (germline): Uncertain significance (1 of 4 stars; one submission).

Conditions:
Peroxisome biogenesis disorder 9B. Also called: PEX7-Related Refsum Disease; PEROXISOME BIOGENESIS DISORDER, PEX7-RELATED, ATYPICAL; Refsum disease, adult, 2. Identifiers: Orphanet 773, MedGen C2749346, MONDO:0013945, OMIM 614879.

gnomAD v4.1: 1 of 1,344,312 alleles (0.000074%); highest among the groups gnomAD compares: Non-Finnish European, 0.000095%; no homozygotes.

Submission:

Labcorp Genetics (formerly Invitae), Labcorp
Classification: Uncertain significance for Peroxisome biogenesis disorder 9B. Last evaluated: 2024-10-29. Review status: criteria provided, single submitter. Criteria: Invitae Variant Classification Sherloc (09022015). Collection method: clinical testing. Allele origin: germline.
Comment: This sequence change replaces glycine, which is neutral and non-polar, with aspartic acid, which is acidic and polar, at codon 41 of the PEX7 protein (p.Gly41Asp). This variant is not present in population databases (gnomAD no frequency). This variant has not been reported in the literature in individuals affected with PEX7-related conditions. ClinVar contains an entry for this variant (Variation ID: 1495627). An algorithm developed to predict the effect of missense changes on protein structure and function (PolyPhen-2) suggests that this variant is likely to be disruptive. In summary, the available evidence is currently insufficient to determine the role of this variant in disease. Therefore, it has been classified as a Variant of Uncertain Significance.